The following is an entry in ClinVar:

ClinVar aggregate classification (germline): Pathogenic/Likely pathogenic. Review status: criteria provided, multiple submitters, no conflicts (2 of 4 stars). 3 submissions from 3 submitters: Pathogenic (2); Likely pathogenic (1). Last evaluated 2025-06-20.

Conditions:
Neuronal ceroid lipofuscinosis. Also called: Neuronal Ceroid Lipofuscinoses. Identifiers: Orphanet 216, Orphanet 79263, MedGen C0027877, MONDO:0016295. Disease mechanism: loss of function.

Submissions (3):

Dasa
Classification: Likely pathogenic. Last evaluated: 2025-06-20. Review status: criteria provided, single submitter. Criteria: DASA Assertion Criteria. Collection method: clinical testing. Allele origin: germline.
Comment: NM_017882.3(CLN6):c.456del (p.Ile153Serfs*10) is a frameshift variant in CLN6 predicted to alter the reading frame and introduce a premature termination codon and is predicted to result in an absent or altered protein product. Loss of function is an established disease mechanism for CLN6-associated disorders. Also, this variant is rare in population databases. Based on the currently available evidence, this variant is classified as likely pathogenic.

Myriad Genetics, Inc.
Classification: Pathogenic for Neuronal ceroid lipofuscinosis. Last evaluated: 2023-08-22. Review status: criteria provided, single submitter. Criteria: Myriad Autosomal Dominant, Autosomal Recessive and X-Linked Classification Criteria (2023). Collection method: clinical testing. Allele origin: unknown.
Comment: NM_017882.2(CLN6):c.456delC(I153Sfs*10) is expected to be pathogenic in the context of neuronal ceroid lipofuscinosis, CLN6-related. This variant is predicted to lead to an abnormal or absent protein product due to the creation of a premature termination codon in CLN6, a gene where loss-of-function variants are known to be pathogenic. Please note: this variant was assessed in the context of healthy population screening.

Labcorp Genetics (formerly Invitae), Labcorp
Classification: Pathogenic for Neuronal ceroid lipofuscinosis. Last evaluated: 2023-05-21. Review status: criteria provided, single submitter. Criteria: Invitae Variant Classification Sherloc (09022015). Collection method: clinical testing. Allele origin: germline.
Comment: For these reasons, this variant has been classified as Pathogenic. This variant has not been reported in the literature in individuals affected with CLN6-related conditions. This variant is present in population databases (no rsID available, gnomAD 0.007%). This sequence change creates a premature translational stop signal (p.Ile153Serfs*10) in the CLN6 gene. It is expected to result in an absent or disrupted protein product. Loss-of-function variants in CLN6 are known to be pathogenic (PMID: 19135028).

Literature cited by the submitters: PubMed 19135028 (cited by Labcorp Genetics (formerly Invitae), Labcorp).

NM_017882.3(CLN6):c.456del (p.Ile153fs)

Gene: CLN6 (CLN6 transmembrane ER protein; minus strand). Cytogenetic location: 15q23.
Variant type: Deletion.
Coding change: c.456del on transcript NM_017882.3 (MANE Select); coding-DNA position 456, one base deleted (C; older notation c.456delC).
Protein change: p.Ile153fs; shifts the reading frame from isoleucine 153.
Molecular consequence: frameshift variant.
Genome position (GRCh38, 1-based): chr15:68,211,705, G deleted on the plus strand (C on the coding strand, the reverse complement: CLN6 is on the minus strand); the first of 4 consecutive G bases (chr15:68,211,705-68,211,708); deleting any one gives the same sequence. VCF-style (leftmost placement, unchanged base first): chr15-68211704-TG-T. GRCh37 (hg19) VCF-style: chr15-68504042-TG-T.
Other names: c.552del, p.Ile185fs (NM_001411068.1); short protein forms I185fs, I153fs.
Identifiers: ClinVar variation 2738552 (VCV002738552.6), dbSNP rs1381856337, ClinGen allele CA618959492.